The following is an entry in ClinVar:

NM_001128840.3(CACNA1D):c.3361A>G (p.Ile1121Val)

Genes: CACNA1D (calcium voltage-gated channel subunit alpha1 D; plus strand), LOC129936904 (ATAC-STARR-seq lymphoblastoid active region 19969; plus strand). Cytogenetic location: 3p21.1.
Variant type: single nucleotide variant.
Coding change: c.3361A>G on transcript NM_001128840.3 (MANE Select); coding-DNA position 3361, A replaced by G.
Protein change: p.Ile1121Val; replaces isoleucine 1121 with valine.
Molecular consequence: missense variant.
Genome position (GRCh38, 1-based): chr3:53,749,314, A>G. VCF-style: chr3-53749314-A-G. GRCh37 (hg19) VCF-style: chr3-53783341-A-G.
Other names: c.3421A>G, p.Ile1141Val (NM_000720.4); c.3361A>G, p.Ile1121Val (NM_001128839.3); short protein forms I1141V, I1121V.
Identifiers: ClinVar variation 227200 (VCV000227200.18), dbSNP rs146892408, ClinGen allele CA2454561.
Genomic context (GRCh38, chr3:53,749,314, plus strand): 5'-TTTTCTCTCTCTAGGTTGCTGTATAAAGCCATCGACTCGAATGGAGAGAACATCGGCCCA[A>G]TCTACAACCACCGCGTGGAGATCTCCATCTTCTTCATCATCTACATCATCATTGTAGCTT-3'
Protein context (NP_001122312.1, residues 1111-1131): IDSNGENIGP[Ile1121Val]YNHRVEISIF

ClinVar aggregate classification (germline): Benign/Likely benign. Review status: criteria provided, multiple submitters, no conflicts (2 of 4 stars). 7 submissions from 7 submitters: Benign (3); Likely benign (3). 1 of the submissions does not count toward it. Last evaluated 2026-02-03.

Conditions:
Inborn genetic diseases. Identifiers: MedGen C0950123, MeSH D030342.
Aldosterone-producing adenoma with seizures and neurological abnormalities. Also called: Primary aldosteronism, seizures, and neurologic abnormalities. Identifiers: Orphanet 369929, MedGen C3809609, MONDO:0014200, OMIM 615474.
CACNA1D-related disorder.

Allele frequency attached by ClinVar (database versions not stated): ESP Exome Variant Server 0.00038; gnomAD exomes 0.00044 and 0.00068; ExAC 0.00050; 1000 Genomes Project 30x 0.00016; 1000 Genomes Project 0.00020; gnomAD 0.00026 and 0.00027; TOPMed 0.00030.
gnomAD v4.1: 703 of 1,614,056 alleles (0.044%); highest among the groups gnomAD compares: South Asian, 0.13%; no homozygotes.

Submissions (7):

Labcorp Genetics (formerly Invitae), Labcorp
Classification: Benign. Last evaluated: 2026-02-03. Review status: criteria provided, single submitter. Criteria: Invitae Variant Classification Sherloc (09022015). Collection method: clinical testing. Allele origin: germline.

Blueprint Genetics
Classification: Likely benign. Last evaluated: 2024-05-08. Review status: criteria provided, single submitter. Criteria: ACMG Guidelines, 2015. Collection method: clinical testing. Allele origin: germline.

KCCC/NGS Laboratory, Kuwait Cancer Control Center
Classification: Likely benign for Aldosterone-producing adenoma with seizures and neurological abnormalities. Last evaluated: 2023-07-07. Review status: criteria provided, single submitter. Criteria: ACMG Guidelines, 2015. Collection method: clinical testing. Allele origin: germline. Affected: yes.

Ambry Genetics
Classification: Likely benign for Inborn genetic diseases. Last evaluated: 2021-03-31. Review status: criteria provided, single submitter. Criteria: Ambry Variant Classification Scheme 2023. Collection method: clinical testing. Allele origin: germline.

GeneDx
Classification: Benign. Last evaluated: 2019-04-25. Review status: criteria provided, single submitter. Criteria: GeneDx Variant Classification Process June 2021. Collection method: clinical testing. Allele origin: germline. Affected: yes.

Laboratory for Molecular Medicine, Mass General Brigham Personalized Medicine
Classification: Benign. Last evaluated: 2017-10-24. Review status: criteria provided, single submitter. Criteria: LMM Criteria. Collection method: clinical testing. Allele origin: germline. Observed: 3 variant alleles.
Comment: p.Ile1141Val in exon 28 of CACNA1D: This variant is not expected to have clinica l significance due to a lack of conservation across species, including mammals. Of note, 10 different mammals have a valine (Val) at this position despite high nearby amino acid sequence conservation. In addition, computational prediction tools do not suggest a high likelihood of impact to the protein. This variant h as been identified in 0.7% (75/10152) Ashkenazi Jewish chromosomes by the Genome Aggregation Database (gnomAD; dbSNP rs1468924 08).

PreventionGenetics, part of Exact Sciences
Classification: Benign for CACNA1D-related condition. Last evaluated: 2019-08-20. Review status: no assertion criteria provided. Collection method: clinical testing. Allele origin: germline. Not counted in ClinVar's aggregate classification.
Comment: This variant is classified as benign based on ACMG/AMP sequence variant interpretation guidelines (Richards et al. 2015 PMID: 25741868, with internal and published modifications).